The following is an entry in ClinVar:

ClinVar aggregate classification (germline): Uncertain significance (1 of 4 stars; one submission).

Allele frequency attached by ClinVar (database versions not stated): gnomAD exomes below 0.00001.
gnomAD v4.1: 1 of 1,610,962 alleles (0.000062%); highest among the groups gnomAD compares: Non-Finnish European, 0.000085%; no homozygotes.

Submission:

CeGaT Center for Human Genetics Tuebingen
Classification: Uncertain significance. Last evaluated: 2023-02-01. Review status: criteria provided, single submitter. Criteria: CeGaT Center For Human Genetics Tuebingen Variant Classification Criteria Version 2. Collection method: clinical testing. Allele origin: germline. Affected: yes. Observed: 1 variant allele.
Comment: ATR: PM2, BP7

NM_001184.4(ATR):c.4863G>A (p.Val1621=)

Gene: ATR (ATR checkpoint kinase; minus strand). Cytogenetic location: 3q23.
Variant type: single nucleotide variant.
Coding change: c.4863G>A on transcript NM_001184.4 (MANE Select); coding-DNA position 4863, G replaced by A.
Protein change: p.Val1621=; no amino-acid change (valine 1621 retained).
Molecular consequence: synonymous variant.
Genome position (GRCh38, 1-based): chr3:142,508,099, C>T on the plus strand (G>A on the coding strand, the complement: ATR is on the minus strand). VCF-style: chr3-142508099-C-T. GRCh37 (hg19) VCF-style: chr3-142226941-C-T.
Other names: c.4671G>A, p.Val1557= (NM_001354579.2).
Identifiers: ClinVar variation 2654204 (VCV002654204.24), dbSNP rs1292827242, ClinGen allele CA436131028.